The following is an entry in ClinVar:

NM_002972.4(SBF1):c.376C>T (p.Gln126Ter)

Gene: SBF1 (SET binding factor 1; minus strand). Cytogenetic location: 22q13.33.
Variant type: single nucleotide variant.
Coding change: c.376C>T on transcript NM_002972.4 (MANE Select); coding-DNA position 376, C replaced by T.
Protein change: p.Gln126Ter; replaces glutamine 126 with a stop codon.
Molecular consequence: nonsense.
Genome position (GRCh38, 1-based): chr22:50,467,594, G>A on the plus strand (C>T on the coding strand, the complement: SBF1 is on the minus strand). VCF-style: chr22-50467594-G-A. GRCh37 (hg19) VCF-style: chr22-50906023-G-A.
Other names: c.379C>T, p.Gln127Ter (NM_001365819.1); short protein forms Q127*, Q126*.
Identifiers: ClinVar variation 1455151 (VCV001455151.6), dbSNP rs1182146385, ClinGen allele CA412223329.

ClinVar aggregate classification (germline): Pathogenic (1 of 4 stars; one submission).

Allele frequency attached by ClinVar (database versions not stated): gnomAD exomes below 0.00001.
gnomAD v4.1: 3 of 1,614,144 alleles (0.00019%); highest among the groups gnomAD compares: Non-Finnish European, 0.00025%; no homozygotes.

Submission:

Labcorp Genetics (formerly Invitae), Labcorp
Classification: Pathogenic. Last evaluated: 2021-06-05. Review status: criteria provided, single submitter. Criteria: Invitae Variant Classification Sherloc (09022015). Collection method: clinical testing. Allele origin: germline.
Comment: For these reasons, this variant has been classified as Pathogenic. This sequence change creates a premature translational stop signal (p.Gln126*) in the SBF1 gene. It is expected to result in an absent or disrupted protein product. Loss-of-function variants in SBF1 are known to be pathogenic (PMID: 28005197, 28902413). This variant is not present in population databases (ExAC no frequency). This variant has not been reported in the literature in individuals with SBF1-related conditions.

Literature cited by the submitters: PubMed 28005197; PubMed 28902413.